The following is an entry in ClinVar:

NM_014425.5(INVS):c.2027T>A (p.Val676Asp)

Gene: INVS (inversin; plus strand). Cytogenetic location: 9q31.1.
Variant type: single nucleotide variant.
Coding change: c.2027T>A on transcript NM_014425.5 (MANE Select); coding-DNA position 2027, T replaced by A.
Protein change: p.Val676Asp; replaces valine 676 with aspartic acid.
Molecular consequence: missense variant. On other transcripts: non-coding transcript variant (1).
Genome position (GRCh38, 1-based): chr9:100,284,562, T>A. VCF-style: chr9-100284562-T-A. GRCh37 (hg19) VCF-style: chr9-103046844-T-A.
Other names: c.1739T>A, p.Val580Asp (NM_001318381.2); c.1049T>A, p.Val350Asp (NM_001318382.2); short protein forms V580D, V350D, V676D.
Identifiers: ClinVar variation 1465200 (VCV001465200.8), dbSNP rs967224963, ClinGen allele CA374240646.
Genomic context (GRCh38, chr9:100,284,562, plus strand): 5'-GAGACAGCAGAGGATCTCCAGGAGGGTCTCTAGGCGGAGCCCTCCAGAAGGAGCAGCATG[T>A]TTCCTCAGATTTGCAGGGAACAAACTCCAGAAGGCCAAATGGTAGGTGTATTGCCTTTGT-3'
Protein context (NP_055240.2, residues 666-686): LGGALQKEQH[Val676Asp]SSDLQGTNSR

ClinVar aggregate classification (germline): Uncertain significance (1 of 4 stars; one submission).

Conditions:
Nephronophthisis. Also called: Juvenile Nephronophthisis. Identifiers: Orphanet 655, MedGen C0687120, MONDO:0019005, HP:0000090.

Submission:

Labcorp Genetics (formerly Invitae), Labcorp
Classification: Uncertain significance for Nephronophthisis. Last evaluated: 2021-06-11. Review status: criteria provided, single submitter. Criteria: Invitae Variant Classification Sherloc (09022015). Collection method: clinical testing. Allele origin: germline.
Comment: Algorithms developed to predict the effect of missense changes on protein structure and function (SIFT, PolyPhen-2, Align-GVGD) all suggest that this variant is likely to be tolerated, but these predictions have not been confirmed by published functional studies and their clinical significance is uncertain. This sequence change replaces valine with aspartic acid at codon 676 of the INVS protein (p.Val676Asp). The valine residue is weakly conserved and there is a large physicochemical difference between valine and aspartic acid. This variant is not present in population databases (ExAC no frequency). This variant has not been reported in the literature in individuals with INVS-related conditions. In summary, the available evidence is currently insufficient to determine the role of this variant in disease. Therefore, it has been classified as a Variant of Uncertain Significance.